The following is an entry in ClinVar:

ClinVar aggregate classification (germline): Uncertain significance (1 of 4 stars; one submission).

gnomAD v4.1: 1 of 1,613,880 alleles (0.000062%); highest among the groups gnomAD compares: Admixed American, 0.0017%; no homozygotes.

Submission:

Labcorp Genetics (formerly Invitae), Labcorp
Classification: Uncertain significance. Last evaluated: 2022-10-13. Review status: criteria provided, single submitter. Criteria: Invitae Variant Classification Sherloc (09022015). Collection method: clinical testing. Allele origin: germline.
Comment: This variant is present in population databases (no rsID available, gnomAD 0.003%). This sequence change replaces valine, which is neutral and non-polar, with leucine, which is neutral and non-polar, at codon 305 of the ARMC9 protein (p.Val305Leu). This variant has not been reported in the literature in individuals affected with ARMC9-related conditions. In summary, the available evidence is currently insufficient to determine the role of this variant in disease. Therefore, it has been classified as a Variant of Uncertain Significance. Experimental studies and prediction algorithms are not available or were not evaluated, and the functional significance of this variant is currently unknown.

NM_001352754.2(ARMC9):c.913G>C (p.Val305Leu)

Gene: ARMC9 (armadillo repeat containing 9; plus strand). Cytogenetic location: 2q37.1.
Variant type: single nucleotide variant.
Coding change: c.913G>C on transcript NM_001352754.2 (MANE Select); coding-DNA position 913, G replaced by C.
Protein change: p.Val305Leu; replaces valine 305 with leucine.
Molecular consequence: missense variant. On other transcripts: non-coding transcript variant (1).
Genome position (GRCh38, 1-based): chr2:231,256,619, G>C. VCF-style: chr2-231256619-G-C. GRCh37 (hg19) VCF-style: chr2-232121332-G-C.
Other names: c.913G>C, p.Val305Leu (NM_001352756.2, NM_001352759.2, NM_025139.6 and 3 more transcripts); c.814G>C, p.Val272Leu (NM_001352757.2, NM_001352758.2); short protein forms V272L, V305L.
Identifiers: ClinVar variation 2110832 (VCV002110832.4), dbSNP rs748033626, ClinGen allele CA350954511.